The following is an entry in ClinVar:

ClinVar aggregate classification (germline): Likely benign. Review status: criteria provided, multiple submitters, no conflicts (2 of 4 stars). 3 submissions from 3 submitters: Likely benign (2). 1 of the submissions does not count toward it. Last evaluated 2026-01-22.

Conditions:
CTPS1-related disorder. Also called: CTPS1-related condition.
Combined immunodeficiency due to CTPS1 deficiency. Also called: Severe combined immunodeficiency due to CTPS1 deficiency; Immunodeficiency 24. Identifiers: Orphanet 420573, MedGen C4014617, MONDO:0014391, OMIM 615897.

Allele frequency attached by ClinVar (database versions not stated): gnomAD exomes 0.00018; ExAC 0.00021; ESP Exome Variant Server 0.00069; 1000 Genomes Project 30x 0.00078; gnomAD 0.00078 and 0.00080; TOPMed 0.00084; 1000 Genomes Project 0.00100.
gnomAD v4.1: 242 of 1,584,144 alleles (0.015%); highest among the groups gnomAD compares: African/African-American, 0.26%; 2 homozygotes.

Submissions (3):

Labcorp Genetics (formerly Invitae), Labcorp
Classification: Likely benign for Combined immunodeficiency due to CTPS1 deficiency. Last evaluated: 2026-01-22. Review status: criteria provided, single submitter. Criteria: Invitae Variant Classification Sherloc (09022015). Collection method: clinical testing. Allele origin: germline.

Blueprint Genetics
Classification: Likely benign. Last evaluated: 2024-11-13. Review status: criteria provided, single submitter. Criteria: ACMG Guidelines, 2015. Collection method: clinical testing. Allele origin: germline.

PreventionGenetics, part of Exact Sciences
Classification: Likely benign for CTPS1-related condition. Last evaluated: 2024-01-23. Review status: no assertion criteria provided. Collection method: clinical testing. Allele origin: germline. Not counted in ClinVar's aggregate classification.
Comment: This variant is classified as likely benign based on ACMG/AMP sequence variant interpretation guidelines (Richards et al. 2015 PMID: 25741868, with internal and published modifications).

NM_001905.4(CTPS1):c.312A>G (p.Gly104=)

Gene: CTPS1 (CTP synthase 1; plus strand). Cytogenetic location: 1p34.2.
Variant type: single nucleotide variant.
Coding change: c.312A>G on transcript NM_001905.4 (MANE Select); coding-DNA position 312, A replaced by G.
Protein change: p.Gly104=; no amino-acid change (glycine 104 retained).
Molecular consequence: synonymous variant. On other transcripts: non-coding transcript variant (1).
Genome position (GRCh38, 1-based): chr1:40,984,966, A>G. VCF-style: chr1-40984966-A-G. GRCh37 (hg19) VCF-style: chr1-41450638-A-G.
Identifiers: ClinVar variation 541959 (VCV000541959.15), dbSNP rs150868456, ClinGen allele CA795202.